The following is an entry in ClinVar:

NM_000890.5(KCNJ5):c.638A>G (p.Glu213Gly)

Gene: KCNJ5 (potassium inwardly rectifying channel subfamily J member 5; plus strand). Cytogenetic location: 11q24.3.
Variant type: single nucleotide variant.
Coding change: c.638A>G on transcript NM_000890.5 (MANE Select); coding-DNA position 638, A replaced by G.
Protein change: p.Glu213Gly; replaces glutamic acid 213 with glycine.
Molecular consequence: missense variant.
Genome position (GRCh38, 1-based): chr11:128,911,911, A>G. VCF-style: chr11-128911911-A-G. GRCh37 (hg19) VCF-style: chr11-128781806-A-G.
Other names: c.638A>G, p.Glu213Gly (NM_001354169.2); short protein forms E213G.
Identifiers: ClinVar variation 1753206 (VCV001753206.2), dbSNP rs2497724212, ClinGen allele CA383249445.

ClinVar aggregate classification (germline): Uncertain significance (1 of 4 stars; one submission).

Conditions:
Cardiovascular phenotype. Identifiers: MedGen CN230736.

Submission:

Ambry Genetics
Classification: Uncertain significance for Cardiovascular phenotype. Last evaluated: 2021-09-15. Review status: criteria provided, single submitter. Criteria: Ambry Variant Classification Scheme 2023. Collection method: clinical testing. Allele origin: germline.
Comment: The p.E213G variant (also known as c.638A>G), located in coding exon 1 of the KCNJ5 gene, results from an A to G substitution at nucleotide position 638. The glutamic acid at codon 213 is replaced by glycine, an amino acid with similar properties. This amino acid position is not well conserved in available vertebrate species. In addition, this alteration is predicted to be tolerated by in silico analysis. Since supporting evidence is limited at this time, the clinical significance of this alteration remains unclear.